The following is an entry in ClinVar:

ClinVar aggregate classification (germline): Uncertain significance. Review status: criteria provided, multiple submitters, no conflicts (2 of 4 stars). 2 submissions from 2 submitters: Uncertain significance (2). Last evaluated 2023-08-04.

Conditions:
Congenital myasthenic syndrome 5. Identifiers: Orphanet 590, MedGen C1864233, MONDO:0011281, OMIM 603034.

Allele frequency attached by ClinVar (database versions not stated): gnomAD exomes 0.00002 and 0.00005; ExAC 0.00006; gnomAD 0.00007 and 0.00008; ESP Exome Variant Server 0.00008; TOPMed 0.00009.
gnomAD v4.1: 39 of 1,613,942 alleles (0.0024%); highest among the groups gnomAD compares: African/African-American, 0.019%; no homozygotes.

Submissions (2):

Labcorp Genetics (formerly Invitae), Labcorp
Classification: Uncertain significance for Congenital myasthenic syndrome 5. Last evaluated: 2023-08-04. Review status: criteria provided, single submitter. Criteria: Invitae Variant Classification Sherloc (09022015). Collection method: clinical testing. Allele origin: germline.
Comment: In summary, the available evidence is currently insufficient to determine the role of this variant in disease. Therefore, it has been classified as a Variant of Uncertain Significance. Variants that disrupt the consensus splice site are a relatively common cause of aberrant splicing (PMID: 17576681, 9536098). Algorithms developed to predict the effect of sequence changes on RNA splicing suggest that this variant is not likely to affect RNA splicing. ClinVar contains an entry for this variant (Variation ID: 343853). This variant has not been reported in the literature in individuals affected with COLQ-related conditions. This variant is present in population databases (rs368112392, gnomAD 0.01%). This sequence change falls in intron 4 of the COLQ gene. It does not directly change the encoded amino acid sequence of the COLQ protein. It affects a nucleotide within the consensus splice site.

Illumina Laboratory Services, Illumina
Classification: Uncertain significance for Congenital myasthenic syndrome 5. Last evaluated: 2018-01-13. Review status: criteria provided, single submitter. Criteria: ICSL Variant Classification Criteria 13 December 2019. Collection method: clinical testing. Allele origin: germline.

Literature cited by the submitters: PubMed 17576681 (cited by Labcorp Genetics (formerly Invitae), Labcorp); PubMed 9536098 (cited by Labcorp Genetics (formerly Invitae), Labcorp).

NM_005677.4(COLQ):c.367-3T>C

Gene: COLQ (collagen like tail subunit of asymmetric acetylcholinesterase; minus strand). Cytogenetic location: 3p25.1.
Variant type: single nucleotide variant.
Coding change: c.367-3T>C on transcript NM_005677.4 (MANE Select); 3 bases into the intron before coding-DNA position 367, T replaced by C.
Molecular consequence: intron variant.
Genome position (GRCh38, 1-based): chr3:15,479,006, A>G on the plus strand (T>C on the coding strand, the complement: COLQ is on the minus strand). VCF-style: chr3-15479006-A-G. GRCh37 (hg19) VCF-style: chr3-15520513-A-G.
Other names: c.265-3T>C (NM_080539.4); c.337-3T>C (NM_080538.2).
Identifiers: ClinVar variation 343853 (VCV000343853.9), dbSNP rs368112392, ClinGen allele CA2276209.